The following is an entry in ClinVar:

ClinVar aggregate classification (germline): Uncertain significance. Review status: criteria provided, multiple submitters, no conflicts (2 of 4 stars). 2 submissions from 2 submitters: Uncertain significance (2). Last evaluated 2023-10-28.

Conditions:
Hypertrophic cardiomyopathy. Also called: HYPERTROPHIC MYOCARDIOPATHY. Identifiers: Orphanet 217569, MedGen C0007194, MeSH D002312, MONDO:0005045, HP:0001639.

Submissions (2):

Labcorp Genetics (formerly Invitae), Labcorp
Classification: Uncertain significance for Hypertrophic cardiomyopathy. Last evaluated: 2023-10-28. Review status: criteria provided, single submitter. Criteria: Invitae Variant Classification Sherloc (09022015). Collection method: clinical testing. Allele origin: germline.
Comment: This sequence change replaces asparagine, which is neutral and polar, with lysine, which is basic and polar, at codon 145 of the MYL3 protein (p.Asn145Lys). This variant is not present in population databases (gnomAD no frequency). This variant has not been reported in the literature in individuals affected with MYL3-related conditions. ClinVar contains an entry for this variant (Variation ID: 373710). An algorithm developed to predict the effect of missense changes on protein structure and function (PolyPhen-2) suggests that this variant is likely to be disruptive. In summary, the available evidence is currently insufficient to determine the role of this variant in disease. Therefore, it has been classified as a Variant of Uncertain Significance.

GeneDx
Classification: Uncertain significance. Last evaluated: 2016-12-07. Review status: criteria provided, single submitter. Criteria: GeneDx Variant Classification (06012015). Collection method: clinical testing. Allele origin: germline. Affected: yes.
Comment: A variant of uncertain significance has been identified in the MYL3 gene. The N145K variant has not been published as a pathogenic variant, nor has it been reported as a benign variant to our knowledge. This variant was not observed in approximately 6,500 individuals of European and African American ancestry in the NHLBI Exome Sequencing Project, indicating it is not a common benign variant in these populations. The N145K variant is a semi-conservative amino acid substitution, which may impact secondary protein structure as these residues differ in some properties. This substitution occurs at a position that is conserved across species and in silico analysis predicts this variant is probably damaging to the protein structure/function.

NM_000258.3(MYL3):c.435T>A (p.Asn145Lys)

Gene: MYL3 (myosin light chain 3; minus strand). Cytogenetic location: 3p21.31.
Variant type: single nucleotide variant.
Coding change: c.435T>A on transcript NM_000258.3 (MANE Select); coding-DNA position 435, T replaced by A.
Protein change: p.Asn145Lys; replaces asparagine 145 with lysine.
Molecular consequence: missense variant.
Genome position (GRCh38, 1-based): chr3:46,859,521, A>T on the plus strand (T>A on the coding strand, the complement: MYL3 is on the minus strand). VCF-style: chr3-46859521-A-T. GRCh37 (hg19) VCF-style: chr3-46901011-A-T.
Other names: short protein forms N145K.
Identifiers: ClinVar variation 373710 (VCV000373710.4), dbSNP rs774762882, ClinGen allele CA16042471.
Genomic context (GRCh38, chr3:46,859,521, plus strand): 5'-GAGGCTGCCCTCACCCAGCGTGGCCAGCACGTGGCGAAGCTCAGCACCCATGACAGTGCC[A>T]TTGCCCTCCTTGTCGAAGACCCGCAGCCCCTCCACGAAGTCCTCATAGGTGCCTGTGTCC-3'
Protein context (NP_000249.1, residues 135-155): EGLRVFDKEG[Asn145Lys]GTVMGAELRH